The following is an entry in ClinVar:

ClinVar aggregate classification (germline): Likely benign. Review status: criteria provided, multiple submitters, no conflicts (2 of 4 stars). 2 submissions from 2 submitters: Likely benign (2). Last evaluated 2024-12-06.

Conditions:
VPS13B-related disorder. Also called: VPS13B-related condition.
Cohen syndrome (COH1). Also called: Cutis verticis gyrata, retinitis pigmentosa, and sensorineural deafness; PEPPER SYNDROME. Identifiers: Orphanet 193, MedGen C0265223, MONDO:0008999, OMIM 216550.

Allele frequency attached by ClinVar (database versions not stated): gnomAD exomes below 0.00001; ExAC 0.00001.
gnomAD v4.1: 1 of 1,614,016 alleles (0.000062%); highest among the groups gnomAD compares: Non-Finnish European, 0.000085%; no homozygotes.

Submissions (2):

PreventionGenetics, part of Exact Sciences
Classification: Likely benign for VPS13B-related condition. Last evaluated: 2024-12-06. Review status: criteria provided, single submitter. Criteria: ACMG Guidelines, 2015. Collection method: clinical testing. Allele origin: germline.
Comment: This variant is classified as likely benign based on ACMG/AMP sequence variant interpretation guidelines (Richards et al. 2015 PMID: 25741868, with internal and published modifications).

Labcorp Genetics (formerly Invitae), Labcorp
Classification: Likely benign for Cohen syndrome. Last evaluated: 2023-08-31. Review status: criteria provided, single submitter. Criteria: Invitae Variant Classification Sherloc (09022015). Collection method: clinical testing. Allele origin: germline.

NM_152564.5(VPS13B):c.1713G>A (p.Glu571=)

Gene: VPS13B (vacuolar protein sorting 13 homolog B; plus strand). Cytogenetic location: 8q22.2.
Variant type: single nucleotide variant.
Coding change: c.1713G>A on transcript NM_152564.5 (MANE Select); coding-DNA position 1713, G replaced by A.
Protein change: p.Glu571=; no amino-acid change (glutamic acid 571 retained).
Molecular consequence: synonymous variant.
Genome position (GRCh38, 1-based): chr8:99,143,035, G>A. VCF-style: chr8-99143035-G-A. GRCh37 (hg19) VCF-style: chr8-100155263-G-A.
Other names: c.1713G>A (NM_152564.4); c.1713G>A, p.Glu571= (NM_015243.3, NM_017890.5).
Identifiers: ClinVar variation 1128521 (VCV001128521.10), dbSNP rs753346782, ClinGen allele CA4822723.